The following is an entry in ClinVar:

ClinVar aggregate classification (germline): Uncertain significance (1 of 4 stars; one submission).

Conditions:
Senior-Loken syndrome 8 (SLSN8). Identifiers: Orphanet 3156, MedGen C4225376, MONDO:0014579, OMIM 616307.
Asphyxiating thoracic dystrophy 5 (SRTD5). Also called: SHORT-RIB THORACIC DYSPLASIA 5 WITHOUT POLYDACTYLY; SHORT-RIB THORACIC DYSPLASIA 5 WITH OR WITHOUT POLYDACTYLY. Identifiers: Orphanet 474, MedGen C3280598, MONDO:0013717, OMIM 614376.

Submission:

Labcorp Genetics (formerly Invitae), Labcorp
Classification: Uncertain significance for Senior-Loken syndrome 8; Asphyxiating thoracic dystrophy 5. Last evaluated: 2022-07-30. Review status: criteria provided, single submitter. Criteria: Invitae Variant Classification Sherloc (09022015). Collection method: clinical testing. Allele origin: germline.
Comment: This sequence change replaces glycine, which is neutral and non-polar, with glutamic acid, which is acidic and polar, at codon 593 of the WDR19 protein (p.Gly593Glu). This variant is not present in population databases (gnomAD no frequency). In summary, the available evidence is currently insufficient to determine the role of this variant in disease. Therefore, it has been classified as a Variant of Uncertain Significance. Algorithms developed to predict the effect of sequence changes on RNA splicing suggest that this variant may disrupt the consensus splice site. Algorithms developed to predict the effect of missense changes on protein structure and function (SIFT, PolyPhen-2, Align-GVGD) all suggest that this variant is likely to be disruptive. This variant has not been reported in the literature in individuals affected with WDR19-related conditions.

NM_025132.4(WDR19):c.1778G>A (p.Gly593Glu)

Gene: WDR19 (WD repeat domain 19; plus strand). Cytogenetic location: 4p14.
Variant type: single nucleotide variant.
Coding change: c.1778G>A on transcript NM_025132.4 (MANE Select); coding-DNA position 1778, G replaced by A.
Protein change: p.Gly593Glu; replaces glycine 593 with glutamic acid.
Molecular consequence: missense variant.
Genome position (GRCh38, 1-based): chr4:39,228,486, G>A. VCF-style: chr4-39228486-G-A. GRCh37 (hg19) VCF-style: chr4-39230106-G-A.
Other names: c.1298G>A, p.Gly433Glu (NM_001317924.2); short protein forms G593E, G433E.
Identifiers: ClinVar variation 2108899 (VCV002108899.3), dbSNP rs369439776, ClinGen allele CA356632899.
Genomic context (GRCh38, chr4:39,228,486, plus strand): 5'-TTTCTGATGTTTGTGCTGAGTATTAGCTTTCAGCATTGCGATGTCTGTTTTATAATGTAG[G>A]AGCCAAGGTTATTTTGGCTGGTAGCACCAAAGTTCCTTTTGCTCATAAACCTTTGCTGCT-3'
Protein context (NP_079408.3, residues 583-603): TYVFHKDTIQ[Gly593Glu]AKVILAGSTK